The following is an entry in ClinVar:

NM_139055.4(ADAMTS15):c.2703C>A (p.Ala901=)

Gene: ADAMTS15 (ADAM metallopeptidase with thrombospondin type 1 motif 15; plus strand). Cytogenetic location: 11q24.3.
Variant type: single nucleotide variant.
Coding change: c.2703C>A on transcript NM_139055.4 (MANE Select); coding-DNA position 2703, C replaced by A.
Protein change: p.Ala901=; no amino-acid change (alanine 901 retained).
Molecular consequence: synonymous variant.
Genome position (GRCh38, 1-based): chr11:130,473,671, C>A. VCF-style: chr11-130473671-C-A. GRCh37 (hg19) VCF-style: chr11-130343566-C-A.
Identifiers: ClinVar variation 4681326 (VCV004681326.5).
Genomic context (GRCh38, chr11:130,473,671, plus strand): 5'-CCATCGGCCCGTGGAGACACAAGCCTGCGGGGAGCCCTGCCCCACCTGGGAGCTCAGCGC[C>A]TGGTCACCCTGCTCCAAGAGCTGCGGCCGGGGATTTCAGAGGCGCTCACTCAAGTGTGTG-3'
Protein context (NP_620686.1, residues 891-911): GEPCPTWELS[Ala901=]WSPCSKSCGR

ClinVar aggregate classification (germline): Likely benign (1 of 4 stars; one submission).

gnomAD v4.1: 2,216 of 1,604,966 alleles (0.14%); highest among the groups gnomAD compares: Non-Finnish European, 0.17%; 2 homozygotes.

Submission:

CeGaT Center for Human Genetics Tuebingen
Classification: Likely benign. Last evaluated: 2025-12-01. Review status: criteria provided, single submitter. Criteria: CeGaT Center For Human Genetics Tuebingen Variant Classification Criteria Version 2. Collection method: clinical testing. Allele origin: germline. Affected: yes. Observed: 1 variant allele.
Comment: ADAMTS15: BP4, BS2